The following is an entry in ClinVar:

ClinVar aggregate classification (germline): Pathogenic (1 of 4 stars; one submission).

Conditions:
Primary ciliary dyskinesia. Also called: Ciliary dyskinesia. Identifiers: Orphanet 244, MedGen C0008780, MONDO:0016575, HP:0012265.

Submission:

Labcorp Genetics (formerly Invitae), Labcorp
Classification: Pathogenic for Primary ciliary dyskinesia. Last evaluated: 2023-04-15. Review status: criteria provided, single submitter. Criteria: Invitae Variant Classification Sherloc (09022015). Collection method: clinical testing. Allele origin: germline.
Comment: This sequence change affects a donor splice site in intron 44 of the DNAH11 gene. It is expected to disrupt RNA splicing. Variants that disrupt the donor or acceptor splice site typically lead to a loss of protein function (PMID: 16199547), and loss-of-function variants in DNAH11 are known to be pathogenic (PMID: 18022865, 20513915, 22184204). For these reasons, this variant has been classified as Pathogenic. Algorithms developed to predict the effect of sequence changes on RNA splicing suggest that this variant may disrupt the consensus splice site. Disruption of this splice site has been observed in individual(s) with primary ciliary dyskinesia (PMID: 22184204). In at least one individual the data is consistent with being in trans (on the opposite chromosome) from a pathogenic variant. It has also been observed to segregate with disease in related individuals. This variant is not present in population databases (gnomAD no frequency).

Literature cited by the submitters: PubMed 16199547; PubMed 18022865; PubMed 20513915; PubMed 22184204.

NM_001277115.2(DNAH11):c.7266+1G>T

Gene: DNAH11 (dynein axonemal heavy chain 11; plus strand). Cytogenetic location: 7p15.3.
Variant type: single nucleotide variant.
Coding change: c.7266+1G>T on transcript NM_001277115.2 (MANE Select); the canonical splice donor site of the intron after coding-DNA position 7266, G replaced by T.
Molecular consequence: splice donor variant.
Genome position (GRCh38, 1-based): chr7:21,720,857, G>T. VCF-style: chr7-21720857-G-T. GRCh37 (hg19) VCF-style: chr7-21760475-G-T.
Identifiers: ClinVar variation 2870905 (VCV002870905.3), dbSNP rs72657354, ClinGen allele CA366944363.